The following is an entry in ClinVar:

NM_001371596.2(MFSD8):c.1337del (p.Gly446fs)

Gene: MFSD8 (major facilitator superfamily domain containing 8; minus strand). Cytogenetic location: 4q28.2.
Variant type: Deletion.
Coding change: c.1337del on transcript NM_001371596.2 (MANE Select); coding-DNA position 1337, one base deleted (G; older notation c.1337delG).
Protein change: p.Gly446fs; shifts the reading frame from glycine 446.
Molecular consequence: frameshift variant.
Genome position (GRCh38, 1-based): chr4:127,921,537, C deleted on the plus strand (G on the coding strand, the reverse complement: MFSD8 is on the minus strand); the first of 2 consecutive C bases (chr4:127,921,537-127,921,538); deleting either gives the same sequence. VCF-style (leftmost placement, unchanged base first): chr4-127921536-TC-T. GRCh37 (hg19) VCF-style: chr4-128842691-TC-T.
Other names: c.1135delG, p.Gly379Aspfs (NM_001363520.3); c.1021delG, p.Gly341Aspfs (NM_001363521.3); c.1201delG, p.Gly401Aspfs (NM_001371590.2); c.1336delG, p.Gly446Aspfs (NM_001371591.2); c.1342delG, p.Gly448Aspfs (NM_001371592.2); c.1222delG, p.Gly408Aspfs (NM_001371593.2); c.1189delG, p.Gly397Aspfs (NM_001371594.2); c.1055del, p.Gly352fs (NM_001371595.1); and 4 more; short protein forms G379fs, G446fs, G352fs, G448fs, G341fs, G397fs, G401fs, G408fs.
Identifiers: ClinVar variation 2012597 (VCV002012597.5), dbSNP rs2546046108, ClinGen allele CA2580071509.

ClinVar aggregate classification (germline): Pathogenic/Likely pathogenic. Review status: criteria provided, multiple submitters, no conflicts (2 of 4 stars). 2 submissions from 2 submitters: Pathogenic (1); Likely pathogenic (1). Last evaluated 2024-11-21.

Conditions:
Late-infantile neuronal ceroid lipofuscinosis. Also called: Jansky-Bielschowsky disease. Identifiers: MedGen C0022340, MONDO:0015674.
Neuronal ceroid lipofuscinosis 7 (CLN7). Also called: MFSD8-Related Neuronal Ceroid-Lipofuscinosis. Identifiers: Orphanet 168491, Orphanet 228366, MedGen C1838571, MONDO:0012588, OMIM 610951.

Submissions (2):

Natera, Inc.
Classification: Likely pathogenic for Late-infantile neuronal ceroid lipofuscinosis. Last evaluated: 2024-11-21. Review status: criteria provided, single submitter. Criteria: Natera Variant Classification Schema (03/2026). Collection method: clinical testing. Allele origin: germline.
Comment: The c.1337del variant in MFSD8 is a frameshift variant predicted to shift the reading frame beginning at codon 446 and leads to a stop codon 12 codons downstream. This variant is expected to result in nonsense mediated decay, truncation, or a dysfunctional protein product. This variant is rare in the general population with a frequency below the threshold expected for the associated phenotype(s). Given the available evidence, this variant is classified as Likely Pathogenic.

Labcorp Genetics (formerly Invitae), Labcorp
Classification: Pathogenic for Neuronal ceroid lipofuscinosis 7. Last evaluated: 2022-06-30. Review status: criteria provided, single submitter. Criteria: Invitae Variant Classification Sherloc (09022015). Collection method: clinical testing. Allele origin: germline.
Comment: For these reasons, this variant has been classified as Pathogenic. This variant disrupts a region of the MFSD8 protein in which other variant(s) (p.Arg482*) have been determined to be pathogenic (PMID: 19177532, 25976102, 28708303; Invitae). This suggests that this is a clinically significant region of the protein, and that variants that disrupt it are likely to be disease-causing. This variant has not been reported in the literature in individuals affected with MFSD8-related conditions. This variant is not present in population databases (gnomAD no frequency). This sequence change creates a premature translational stop signal (p.Gly446Aspfs*12) in the MFSD8 gene. While this is not anticipated to result in nonsense mediated decay, it is expected to disrupt the last 73 amino acid(s) of the MFSD8 protein.

Literature cited by the submitters: PubMed 19177532 (cited by Labcorp Genetics (formerly Invitae), Labcorp); PubMed 25976102 (cited by Labcorp Genetics (formerly Invitae), Labcorp); PubMed 28708303 (cited by Labcorp Genetics (formerly Invitae), Labcorp).